The following is an entry in ClinVar:

ClinVar aggregate classification (germline): Likely benign. Review status: criteria provided, multiple submitters, no conflicts (2 of 4 stars). 2 submissions from 2 submitters: Likely benign (2). Last evaluated 2024-11-27.

Conditions:
Neonatal encephalomyopathy-cardiomyopathy-respiratory distress syndrome. Also called: Coenzyme Q10 deficiency, primary, 7. Identifiers: Orphanet 457185, MedGen C5568562, MONDO:0014562, OMIM 616276.
COQ4-related disorder. Also called: COQ4-related condition.

Allele frequency attached by ClinVar (database versions not stated): ESP Exome Variant Server 0.00008.
gnomAD v4.1: 16 of 1,531,836 alleles (0.001%); highest among the groups gnomAD compares: African/African-American, 0.022%; no homozygotes.

Submissions (2):

PreventionGenetics, part of Exact Sciences
Classification: Likely benign for COQ4-related condition. Last evaluated: 2024-11-27. Review status: criteria provided, single submitter. Criteria: ACMG Guidelines, 2015. Collection method: clinical testing. Allele origin: germline.
Comment: This variant is classified as likely benign based on ACMG/AMP sequence variant interpretation guidelines (Richards et al. 2015 PMID: 25741868, with internal and published modifications).

Labcorp Genetics (formerly Invitae), Labcorp
Classification: Likely benign for Neonatal encephalomyopathy-cardiomyopathy-respiratory distress syndrome. Last evaluated: 2023-11-10. Review status: criteria provided, single submitter. Criteria: Invitae Variant Classification Sherloc (09022015). Collection method: clinical testing. Allele origin: germline.

NM_016035.5(COQ4):c.633G>T (p.Leu211=)

Gene: COQ4 (coenzyme Q4; plus strand). Cytogenetic location: 9q34.11.
Variant type: single nucleotide variant.
Coding change: c.633G>T on transcript NM_016035.5 (MANE Select); coding-DNA position 633, G replaced by T.
Protein change: p.Leu211=; no amino-acid change (leucine 211 retained).
Molecular consequence: synonymous variant. On other transcripts: 3 prime UTR variant (1).
Genome position (GRCh38, 1-based): chr9:128,333,480, G>T. VCF-style: chr9-128333480-G-T. GRCh37 (hg19) VCF-style: chr9-131095759-G-T.
Other names: c.633G>T (NM_016035.4); c.*9G>T (NM_001305942.2).
Identifiers: ClinVar variation 2890901 (VCV002890901.4), dbSNP rs145544505, ClinGen allele CA5260662.
Genomic context (GRCh38, chr9:128,333,480, plus strand): 5'-CGAGTGCCTGGCCCCAGGGACTTGATGTTTTCTTTTTCCTCTGCTGCCCCACAGGAGCCT[G>T]CAAGTGCTGGTCTCGGAGTTGATCCCATGGGCCGTTCAGAACGGGCGCAGAGCCCCATGT-3'
Protein context (NP_057119.3, residues 201-221): FGPIRLGAQS[Leu211=]QVLVSELIPW